The following is an entry in ClinVar:

NM_001278716.2(FBXL4):c.*11G>A

Gene: FBXL4 (F-box and leucine rich repeat protein 4; minus strand). Cytogenetic location: 6q16.1.
Variant type: single nucleotide variant.
Coding change: c.*11G>A on transcript NM_001278716.2 (MANE Select); 11 bases downstream of the stop codon, G replaced by A.
Molecular consequence: 3 prime UTR variant. On other transcripts: non-coding transcript variant (1).
Genome position (GRCh38, 1-based): chr6:98,874,267, C>T on the plus strand (G>A on the coding strand, the complement: FBXL4 is on the minus strand). VCF-style: chr6-98874267-C-T. GRCh37 (hg19) VCF-style: chr6-99322143-C-T.
Other names: c.*11G>A (NM_012160.5).
Identifiers: ClinVar variation 437824 (VCV000437824.1), dbSNP rs773599829, ClinGen allele CA3933329.

ClinVar aggregate classification (germline): Uncertain significance (1 of 4 stars; one submission).

Conditions:
Mitochondrial DNA depletion syndrome 13. Also called: FBXL4-Related Encephalomyopathic Mitochondrial DNA Depletion Syndrome; Mitochondrial DNA depletion syndrome 13 (encephalomyopathic type). Identifiers: Orphanet 369897, MedGen C3809592, MONDO:0014198, OMIM 615471.

Allele frequency attached by ClinVar (database versions not stated): gnomAD exomes 0.00002 and 0.00003; TOPMed 0.00002; gnomAD 0.00003; ExAC 0.00004.
gnomAD v4.1: 9 of 1,556,914 alleles (0.00058%); highest among the groups gnomAD compares: Admixed American, 0.02%; no homozygotes.

Submission:

Wong Mito Lab, Molecular and Human Genetics, Baylor College of Medicine
Classification: Uncertain significance for Mitochondrial DNA depletion syndrome 13. Last evaluated: 2017-08-10. Review status: criteria provided, single submitter. Criteria: ACMG Guidelines, 2015. Collection method: reference population. Allele origin: germline.
Comment: The NM_012160.4:c.*11G>A (NP_036292.2:p.=) [GRCH38: NC_000006.12:g.98874267C>T] variant in FBXL4 gene is interpretated to be a Uncertain Significance - Insufficient Evidence based on ACMG guidelines (PMID: 25741868). This variant meets one or more of the following evidence codes reported in the ACMG-guideline. PM2:This variant is absent in key population databases. Based on this evidence code ClinGen Pathogenicity Calculator (PMID:28081714) suggested that the variant is Uncertain Significance - Insufficient Evidence.